The following is an entry in ClinVar:

ClinVar aggregate classification (germline): Uncertain significance (1 of 4 stars; one submission).

Conditions:
Hereditary breast ovarian cancer syndrome. Also called: BRCA1- and BRCA2-Associated Hereditary Breast and Ovarian Cancer; Breast and ovarian cancer; Hereditary breast and ovarian cancer; Hereditary breast and ovarian cancer syndrome (HBOC); Hereditary breast and ovarian cancer syndrome; Hereditary breast and/or ovarian cancer syndrome. Identifiers: Orphanet 145, MedGen C0677776, MeSH D061325, MONDO:0003582. Disease mechanism: loss of function.

Submission:

Labcorp Genetics (formerly Invitae), Labcorp
Classification: Uncertain significance for Hereditary breast ovarian cancer syndrome. Last evaluated: 2024-07-23. Review status: criteria provided, single submitter. Criteria: Invitae Variant Classification Sherloc (09022015). Collection method: clinical testing. Allele origin: germline.
Comment: This sequence change replaces glutamic acid, which is acidic and polar, with aspartic acid, which is acidic and polar, at codon 733 of the BRCA1 protein (p.Glu733Asp). This variant is not present in population databases (gnomAD no frequency). This variant has not been reported in the literature in individuals affected with BRCA1-related conditions. Advanced modeling of protein sequence and biophysical properties (such as structural, functional, and spatial information, amino acid conservation, physicochemical variation, residue mobility, and thermodynamic stability) performed at Invitae indicates that this missense variant is not expected to disrupt BRCA1 protein function with a negative predictive value of 95%. In summary, the available evidence is currently insufficient to determine the role of this variant in disease. Therefore, it has been classified as a Variant of Uncertain Significance.

NM_007294.4(BRCA1):c.2199G>T (p.Glu733Asp)

Gene: BRCA1 (BRCA1 DNA repair associated; minus strand). Cytogenetic location: 17q21.31.
Variant type: single nucleotide variant.
Coding change: c.2199G>T on transcript NM_007294.4 (MANE Select); coding-DNA position 2199, G replaced by T.
Protein change: p.Glu733Asp; replaces glutamic acid 733 with aspartic acid.
Molecular consequence: missense variant. On other transcripts: intron variant (137).
Genome position (GRCh38, 1-based): chr17:43,093,332, C>A on the plus strand (G>T on the coding strand, the complement: BRCA1 is on the minus strand). VCF-style: chr17-43093332-C-A. GRCh37 (hg19) VCF-style: chr17-41245349-C-A.
Other names: c.1986G>T, p.Glu662Asp (NM_001407571.1, NM_001407853.1, NM_001407894.1 and 9 more transcripts); c.2199G>T, p.Glu733Asp (NM_001407581.1, NM_001407582.1, NM_001407583.1 and 30 more transcripts); c.2196G>T, p.Glu732Asp (NM_001407587.1, NM_001407590.1, NM_001407591.1 and 22 more transcripts); c.2190G>T, p.Glu730Asp (NM_001407646.1, NM_001407647.1); c.2076G>T, p.Glu692Asp (NM_001407648.1, NM_001407664.1, NM_001407665.1 and 19 more transcripts); c.2073G>T, p.Glu691Asp (NM_001407649.1, NM_001407670.1, NM_001407671.1 and 11 more transcripts); c.2121G>T, p.Glu707Asp (NM_001407653.1, NM_001407654.1, NM_001407655.1 and 4 more transcripts); c.2118G>T, p.Glu706Asp (NM_001407659.1, NM_001407660.1, NM_001407661.1 and 1 more transcripts); and 41 more; short protein forms E565D, E605D, E621D, E437D, E622D, E644D, E663D, E685D.
Identifiers: ClinVar variation 3693705 (VCV003693705.2).
Genomic context (GRCh38, chr17:43,093,332, plus strand): 5'-ACTTAACATGAGATCTTTGGGGTCTTCAGCATTATTAGACACTTTAACTGTTTCTAGTTT[C>A]TCTTCTTTTTCTTCTCTTGGAAGGCTAGGATTGACAAATTCTTTAAGTTCACTGGTATTT-3'
Protein context (NP_009225.1, residues 723-743): NPSLPREEKE[Glu733Asp]KLETVKVSNN